The following is an entry in ClinVar:

ClinVar aggregate classification (germline): Pathogenic (3 of 4 stars; one submission).

Conditions:
Breast-ovarian cancer, familial, susceptibility to, 2 (BROVCA2). Also called: BRCA2 Hereditary Breast and Ovarian Cancer. Identifiers: Orphanet 145, MedGen C2675520, MONDO:0012933, OMIM 612555. Disease mechanism: loss of function.

Submission:

Evidence-based Network for the Interpretation of Germline Mutant Alleles (ENIGMA)
Classification: Pathogenic for Breast-ovarian cancer, familial, susceptibility to, 2. Last evaluated: 2016-10-18. Review status: reviewed by expert panel. Criteria: ENIGMA BRCA1/2 Classification Criteria (2015). Collection method: curation. Allele origin: germline.
Comment: Variant allele predicted to encode a truncated non-functional protein.

NM_000059.4(BRCA2):c.4476del (p.Glu1493fs)

Gene: BRCA2 (BRCA2 DNA repair associated; plus strand). Cytogenetic location: 13q13.1.
Variant type: Deletion.
Coding change: c.4476del on transcript NM_000059.4 (MANE Select); coding-DNA position 4476, one base deleted (A; older notation c.4476delA).
Protein change: p.Glu1493fs; shifts the reading frame from glutamic acid 1493.
Molecular consequence: frameshift variant.
Genome position (GRCh38, 1-based): chr13:32,338,831, A deleted; the last of 3 consecutive A bases (chr13:32,338,829-32,338,831); deleting any one gives the same sequence. VCF-style (leftmost placement, unchanged base first): chr13-32338828-GA-G. GRCh37 (hg19) VCF-style: chr13-32912965-GA-G.
Other names: 4704delA; short protein forms E1493fs.
Identifiers: ClinVar variation 266816 (VCV000266816.3), dbSNP rs886040534, ClinGen allele CA10589263.